The following is an entry in ClinVar:

NM_014423.4(AFF4):c.2483A>G (p.His828Arg)

Gene: AFF4 (ALF transcription elongation factor 4; minus strand). Cytogenetic location: 5q31.1.
Variant type: single nucleotide variant.
Coding change: c.2483A>G on transcript NM_014423.4 (MANE Select); coding-DNA position 2483, A replaced by G.
Protein change: p.His828Arg; replaces histidine 828 with arginine.
Molecular consequence: missense variant.
Genome position (GRCh38, 1-based): chr5:132,892,318, T>C on the plus strand (A>G on the coding strand, the complement: AFF4 is on the minus strand). VCF-style: chr5-132892318-T-C. GRCh37 (hg19) VCF-style: chr5-132228010-T-C.
Other names: short protein forms H828R.
Identifiers: ClinVar variation 5009165 (VCV005009165.1).

ClinVar aggregate classification (germline): Uncertain significance (1 of 4 stars; one submission).

gnomAD v4.1: 2 of 1,614,164 alleles (0.00012%); highest among the groups gnomAD compares: Non-Finnish European, 0.000085%; no homozygotes.

Submission:

GeneDx
Classification: Uncertain significance. Last evaluated: 2026-03-19. Review status: criteria provided, single submitter. Criteria: GeneDx Variant Classification Process June 2021. Collection method: clinical testing. Allele origin: germline.
Comment: Not observed at significant frequency in large population cohorts (gnomAD); In silico analysis suggests that this missense variant does not alter protein structure/function; Has not been previously published as pathogenic or benign to our knowledge.